The following is an entry in ClinVar:

ClinVar aggregate classification (germline): Likely pathogenic. Review status: criteria provided, multiple submitters, no conflicts (2 of 4 stars). 2 submissions from 2 submitters: Likely pathogenic (2). Last evaluated 2025-02-17.

Conditions:
Majeed syndrome (MJDS). Also called: LPIN2-Related Majeed Syndrome; CHRONIC RECURRENT MULTIFOCAL OSTEOMYELITIS 1, WITH CONGENITAL DYSERYTHROPOIETIC ANEMIA, WITH OR WITHOUT NEUTROPHILIC DERMATOSIS. Identifiers: Orphanet 77297, MedGen C1864997, MONDO:0012316, OMIM 609628.

Allele frequency attached by ClinVar (database versions not stated): gnomAD exomes below 0.00001.
gnomAD v4.1: 4 of 1,583,598 alleles (0.00025%); highest among the groups gnomAD compares: African/African-American, 0.0013%; no homozygotes.

Submissions (2):

Labcorp Genetics (formerly Invitae), Labcorp
Classification: Likely pathogenic for Majeed syndrome. Last evaluated: 2025-02-17. Review status: criteria provided, single submitter. Criteria: Invitae Variant Classification Sherloc (09022015). Collection method: clinical testing. Allele origin: germline.
Comment: This sequence change affects a donor splice site in intron 5 of the LPIN2 gene. It is expected to disrupt RNA splicing. Variants that disrupt the donor or acceptor splice site typically lead to a loss of protein function (PMID: 16199547), and loss-of-function variants in LPIN2 are known to be pathogenic (PMID: 15994876, 23087183). This variant is present in population databases (no rsID available, gnomAD 0.005%). This variant has not been reported in the literature in individuals affected with LPIN2-related conditions. ClinVar contains an entry for this variant (Variation ID: 1931643). Algorithms developed to predict the effect of sequence changes on RNA splicing suggest that this variant may disrupt the consensus splice site. In summary, the currently available evidence indicates that the variant is pathogenic, but additional data are needed to prove that conclusively. Therefore, this variant has been classified as Likely Pathogenic.

Revvity Omics, Revvity
Classification: Likely pathogenic for Majeed syndrome. Last evaluated: 2024-11-22. Review status: criteria provided, single submitter. Criteria: ACMG Guidelines, 2015. Collection method: clinical testing. Allele origin: germline.

Literature cited by the submitters: PubMed 16199547 (cited by Labcorp Genetics (formerly Invitae), Labcorp); PubMed 15994876 (cited by Labcorp Genetics (formerly Invitae), Labcorp); PubMed 23087183 (cited by Labcorp Genetics (formerly Invitae), Labcorp).

NM_001375808.2(LPIN2):c.698+1G>A

Gene: LPIN2 (lipin 2; minus strand). Cytogenetic location: 18p11.31.
Variant type: single nucleotide variant.
Coding change: c.698+1G>A on transcript NM_001375808.2 (MANE Select); the canonical splice donor site of the intron after coding-DNA position 698, G replaced by A.
Molecular consequence: splice donor variant.
Genome position (GRCh38, 1-based): chr18:2,940,604, C>T on the plus strand (G>A on the coding strand, the complement: LPIN2 is on the minus strand). VCF-style: chr18-2940604-C-T. GRCh37 (hg19) VCF-style: chr18-2940602-C-T.
Other names: c.698+1G>A (NM_014646.2, NM_001375809.1).
Identifiers: ClinVar variation 1931643 (VCV001931643.4), dbSNP rs1449758984, ClinGen allele CA401707681.